The following is an entry in ClinVar:

NM_006767.4(LZTR1):c.791C>T (p.Thr264Met)

Gene: LZTR1 (leucine zipper like post translational regulator 1; plus strand). Cytogenetic location: 22q11.21.
Variant type: single nucleotide variant.
Coding change: c.791C>T on transcript NM_006767.4 (MANE Select); coding-DNA position 791, C replaced by T.
Protein change: p.Thr264Met; replaces threonine 264 with methionine.
Molecular consequence: missense variant.
Genome position (GRCh38, 1-based): chr22:20,990,525, C>T. VCF-style: chr22-20990525-C-T. GRCh37 (hg19) VCF-style: chr22-21344814-C-T.
Other names: short protein forms T264M.
Identifiers: ClinVar variation 1354303 (VCV001354303.9), dbSNP rs775102121, ClinGen allele CA10118613.
Genomic context (GRCh38, chr22:20,990,525, plus strand): 5'-CTGGGCAAAGCGGAGCCAAAATAACCAACAACCTCTTCCAGTTTGAATTCAAGGACAAGA[C>T]GTGAGTACTCTGGCCAGTGGGGTGGAGGGAGGACGGTCAGTTCCCTCGAATCCTTCTGAA-3'
Protein context (NP_006758.2, residues 254-274): NLFQFEFKDK[Thr264Met]WTRIPTEHLL

ClinVar aggregate classification (germline): Conflicting classifications of pathogenicity. Review status: criteria provided, conflicting classifications (1 of 4 stars). 2 submissions from 2 submitters: Uncertain significance (1); Likely benign (1). Last evaluated 2025-10-23.

Conditions:
Hereditary cancer-predisposing syndrome. Also called: Neoplastic Syndromes, Hereditary; Tumor predisposition; Hereditary neoplastic syndrome; Hereditary Cancer Syndrome. Identifiers: Orphanet 140162, MedGen C0027672, MeSH D009386, MONDO:0015356.
Cardiovascular phenotype. Identifiers: MedGen CN230736.

Allele frequency attached by ClinVar (database versions not stated): ExAC 0.00001; gnomAD 0.00001; gnomAD exomes 0.00001 and 0.00002; TOPMed 0.00001.
gnomAD v4.1: 30 of 1,608,082 alleles (0.0019%); highest among the groups gnomAD compares: Non-Finnish European, 0.0026%; no homozygotes.

Submissions (2):

Labcorp Genetics (formerly Invitae), Labcorp
Classification: Uncertain significance. Last evaluated: 2025-10-23. Review status: criteria provided, single submitter. Criteria: Invitae Variant Classification Sherloc (09022015). Collection method: clinical testing. Allele origin: germline.
Comment: This sequence change replaces threonine, which is neutral and polar, with methionine, which is neutral and non-polar, at codon 264 of the LZTR1 protein (p.Thr264Met). This variant is present in population databases (rs775102121, gnomAD 0.002%). This variant has not been reported in the literature in individuals affected with LZTR1-related conditions. ClinVar contains an entry for this variant (Variation ID: 1354303). An algorithm developed to predict the effect of missense changes on protein structure and function outputs the following: PolyPhen-2: "Benign". The methionine amino acid residue is found in multiple mammalian species, which suggests that this missense change does not adversely affect protein function. In summary, the available evidence is currently insufficient to determine the role of this variant in disease. Therefore, it has been classified as a Variant of Uncertain Significance.

Ambry Genetics
Classification: Likely benign for Cardiovascular phenotype; Hereditary cancer-predisposing syndrome. Last evaluated: 2023-10-31. Review status: criteria provided, single submitter. Criteria: Ambry Variant Classification Scheme 2023. Collection method: clinical testing. Allele origin: germline.